The following is an entry in ClinVar:

ClinVar aggregate classification (germline): Likely benign (1 of 4 stars; one submission).

Conditions:
Peutz-Jeghers syndrome (PJS). Also called: POLYPOSIS, HAMARTOMATOUS INTESTINAL; POLYPS-AND-SPOTS SYNDROME; Peutz-Jeghers polyposis; Periorificial lentiginosis syndrome. Identifiers: Orphanet 2869, MedGen C0031269, MeSH D010580, MONDO:0008280, OMIM 175200.

Submission:

Myriad Genetics, Inc.
Classification: Likely benign for Peutz-Jeghers syndrome. Last evaluated: 2025-03-28. Review status: criteria provided, single submitter. Criteria: Myriad Autosomal Dominant, Autosomal Recessive and X-Linked Classification Criteria (2023). Collection method: clinical testing. Allele origin: unknown.
Comment: This variant is considered likely benign. This variant is intronic and is not expected to impact mRNA splicing.

NM_000455.5(STK11):c.1108+9G>T

Genes: STK11 (serine/threonine kinase 11; plus strand), LOC130062899 (ATAC-STARR-seq lymphoblastoid active region 13597; plus strand). Cytogenetic location: 19p13.3.
Variant type: single nucleotide variant.
Coding change: c.1108+9G>T on transcript NM_000455.5 (MANE Select); 9 bases into the intron after coding-DNA position 1108, G replaced by T.
Molecular consequence: intron variant.
Genome position (GRCh38, 1-based): chr19:1,223,181, G>T. VCF-style: chr19-1223181-G-T. GRCh37 (hg19) VCF-style: chr19-1223180-G-T.
Other names: c.1108+9G>T (NM_001407255.1).
Identifiers: ClinVar variation 3904481 (VCV003904481.1).